The following is an entry in ClinVar:

ClinVar aggregate classification (germline): Uncertain significance (1 of 4 stars; one submission).

Conditions:
TNF receptor-associated periodic fever syndrome (TRAPS) (FPF). Also called: TNF RECEPTOR-ASSOCIATED PERIODIC SYNDROME; TUMOR NECROSIS FACTOR RECEPTOR-ASSOCIATED PERIODIC SYNDROME; TNF Receptor-Associated Periodic Fever Syndrome; FAMILIAL HIBERNIAN FEVER; TNF receptor 1-associated periodic fever syndrome; Autosomal Dominant Familial Periodic Fever. Identifiers: Orphanet 32960, MedGen C1275126, MONDO:0007727, OMIM 142680.

Submission:

Labcorp Genetics (formerly Invitae), Labcorp
Classification: Uncertain significance for TNF receptor-associated periodic fever syndrome (TRAPS). Last evaluated: 2021-09-02. Review status: criteria provided, single submitter. Criteria: Invitae Variant Classification Sherloc (09022015). Collection method: clinical testing. Allele origin: germline.
Comment: This sequence change replaces threonine with isoleucine at codon 327 of the TNFRSF1A protein (p.Thr327Ile). The threonine residue is weakly conserved and there is a moderate physicochemical difference between threonine and isoleucine. This variant is not present in population databases (ExAC no frequency). This variant has not been reported in the literature in individuals affected with TNFRSF1A-related conditions. Algorithms developed to predict the effect of missense changes on protein structure and function (SIFT, PolyPhen-2, Align-GVGD) all suggest that this variant is likely to be tolerated. In summary, the available evidence is currently insufficient to determine the role of this variant in disease. Therefore, it has been classified as a Variant of Uncertain Significance.

NM_001065.4(TNFRSF1A):c.980C>T (p.Thr327Ile)

Gene: TNFRSF1A (TNF receptor superfamily member 1A; minus strand). Cytogenetic location: 12p13.31.
Variant type: single nucleotide variant.
Coding change: c.980C>T on transcript NM_001065.4 (MANE Select); coding-DNA position 980, C replaced by T.
Protein change: p.Thr327Ile; replaces threonine 327 with isoleucine.
Molecular consequence: missense variant. On other transcripts: non-coding transcript variant (1).
Genome position (GRCh38, 1-based): chr12:6,329,855, G>A on the plus strand (C>T on the coding strand, the complement: TNFRSF1A is on the minus strand). VCF-style: chr12-6329855-G-A. GRCh37 (hg19) VCF-style: chr12-6439021-G-A.
Other names: c.656C>T, p.Thr219Ile (NM_001346091.2); c.521C>T, p.Thr174Ile (NM_001346092.2); short protein forms T219I, T327I, T174I.
Identifiers: ClinVar variation 933670 (VCV000933670.6), dbSNP rs1948014776, ClinGen allele CA383545730.